The following is an entry in ClinVar:

NM_005591.4(MRE11):c.1462C>A (p.Arg488Ser)

Gene: MRE11 (MRE11 double strand break repair nuclease; minus strand). Cytogenetic location: 11q21.
Variant type: single nucleotide variant.
Coding change: c.1462C>A on transcript NM_005591.4 (MANE Select); coding-DNA position 1462, C replaced by A.
Protein change: p.Arg488Ser; replaces arginine 488 with serine.
Molecular consequence: missense variant.
Genome position (GRCh38, 1-based): chr11:94,459,446, G>T on the plus strand (C>A on the coding strand, the complement: MRE11 is on the minus strand). VCF-style: chr11-94459446-G-T. GRCh37 (hg19) VCF-style: chr11-94192612-G-T.
Other names: c.1462C>A, p.Arg488Ser (NM_001330347.2, NM_005590.4); short protein forms R488S.
Identifiers: ClinVar variation 3397843 (VCV003397843.1).
Genomic context (GRCh38, chr11:94,459,446, plus strand): 5'-GACACTCAAATTAGTTACTTACCTCCTCATCGATTTTGTCTTCGAGGGCATCAATATGAC[G>T]TTCTTTAAGAAATCGCTGTGTTTTTTCCAACTGGTATTTCACTAATTCCTCAATGGCATC-3'
Protein context (NP_005582.1, residues 478-498): LEKTQRFLKE[Arg488Ser]HIDALEDKID

ClinVar aggregate classification (germline): Uncertain significance (1 of 4 stars; one submission).

Conditions:
Hereditary cancer-predisposing syndrome. Also called: Hereditary Cancer Syndrome; Tumor predisposition; Hereditary neoplastic syndrome; Neoplastic Syndromes, Hereditary. Identifiers: Orphanet 140162, MedGen C0027672, MeSH D009386, MONDO:0015356.

gnomAD v4.1: 1 of 1,613,930 alleles (0.000062%); highest among the groups gnomAD compares: Non-Finnish European, 0.000085%; no homozygotes.

Submission:

Ambry Genetics
Classification: Uncertain significance for Hereditary cancer-predisposing syndrome. Last evaluated: 2024-07-28. Review status: criteria provided, single submitter. Criteria: Ambry Variant Classification Scheme 2023. Collection method: clinical testing. Allele origin: germline.
Comment: The p.R488S variant (also known as c.1462C>A), located in coding exon 12 of the MRE11A gene, results from a C to A substitution at nucleotide position 1462. The arginine at codon 488 is replaced by serine, an amino acid with dissimilar properties. This amino acid position is conserved. In addition, this alteration is predicted to be deleterious by in silico analysis. Based on the available evidence, the clinical significance of this variant remains unclear.